The following is an entry in ClinVar:

NM_002294.3(LAMP2):c.741+6G>A

Gene: LAMP2 (lysosome associated membrane protein 2; minus strand). Cytogenetic location: Xq24.
Variant type: single nucleotide variant.
Coding change: c.741+6G>A on transcript NM_002294.3 (MANE Select); 6 bases into the intron after coding-DNA position 741, G replaced by A.
Molecular consequence: intron variant.
Genome position (GRCh38, 1-based): chrX:120,447,835, C>T on the plus strand (G>A on the coding strand, the complement: LAMP2 is on the minus strand). VCF-style: chrX-120447835-C-T. GRCh37 (hg19) VCF-style: chrX-119581690-C-T.
Other names: c.741+6G>A (NM_001122606.1, NM_013995.2).
Identifiers: ClinVar variation 2838462 (VCV002838462.3), dbSNP rs2520883480, ClinGen allele CA2739273747.

ClinVar aggregate classification (germline): Uncertain significance (1 of 4 stars; one submission).

Conditions:
Danon disease. Also called: Glycogen Storage Disease Type IIb; ANTOPOL DISEASE; PSEUDOGLYCOGENOSIS II; GSD IIb; LYSOSOMAL GLYCOGEN STORAGE DISEASE WITHOUT ACID MALTASE DEFICIENCY. Identifiers: Orphanet 34587, MedGen C0878677, MONDO:0010281, OMIM 300257.

Submission:

Labcorp Genetics (formerly Invitae), Labcorp
Classification: Uncertain significance for Danon disease. Last evaluated: 2023-02-17. Review status: criteria provided, single submitter. Criteria: Invitae Variant Classification Sherloc (09022015). Collection method: clinical testing. Allele origin: germline.
Comment: This sequence change falls in intron 5 of the LAMP2 gene. It does not directly change the encoded amino acid sequence of the LAMP2 protein. It affects a nucleotide within the consensus splice site. This variant is not present in population databases (gnomAD no frequency). This variant has not been reported in the literature in individuals affected with LAMP2-related conditions. Variants that disrupt the consensus splice site are a relatively common cause of aberrant splicing (PMID: 17576681, 9536098). Algorithms developed to predict the effect of sequence changes on RNA splicing suggest that this variant is not likely to affect RNA splicing. In summary, the available evidence is currently insufficient to determine the role of this variant in disease. Therefore, it has been classified as a Variant of Uncertain Significance.

Literature cited by the submitters: PubMed 17576681; PubMed 9536098.